The following is an entry in ClinVar:

ClinVar aggregate classification (germline): Uncertain significance. Review status: criteria provided, multiple submitters, no conflicts (2 of 4 stars). 2 submissions from 2 submitters: Uncertain significance (2). Last evaluated 2024-04-09.

Conditions:
Tuberous sclerosis 2 (TSC2). Identifiers: Orphanet 805, MedGen C1860707, MONDO:0013199, OMIM 613254.
Tuberous sclerosis syndrome (TSC). Also called: Tuberous sclerosis; Tuberous Sclerosis Complex. Identifiers: Orphanet 805, MedGen C0041341, MONDO:0001734.

Submissions (2):

Labcorp Genetics (formerly Invitae), Labcorp
Classification: Uncertain significance for Tuberous sclerosis 2. Last evaluated: 2024-04-09. Review status: criteria provided, single submitter. Criteria: Invitae Variant Classification Sherloc (09022015). Collection method: clinical testing. Allele origin: germline.
Comment: This sequence change replaces threonine, which is neutral and polar, with isoleucine, which is neutral and non-polar, at codon 147 of the TSC2 protein (p.Thr147Ile). This variant is not present in population databases (gnomAD no frequency). This variant has not been reported in the literature in individuals affected with TSC2-related conditions. ClinVar contains an entry for this variant (Variation ID: 1004052). Advanced modeling of protein sequence and biophysical properties (such as structural, functional, and spatial information, amino acid conservation, physicochemical variation, residue mobility, and thermodynamic stability) has been performed at Invitae for this missense variant, however the output from this modeling did not meet the statistical confidence thresholds required to predict the impact of this variant on TSC2 protein function. This variant disrupts the p.Thr147 amino acid residue in TSC2. Other variant(s) that disrupt this residue have been determined to be pathogenic (PMID: 27859028, 31799751). This suggests that this residue is clinically significant, and that variants that disrupt this residue are likely to be disease-causing. In summary, the available evidence is currently insufficient to determine the role of this variant in disease. Therefore, it has been classified as a Variant of Uncertain Significance.

All of Us Research Program, National Institutes of Health
Classification: Uncertain significance for Tuberous sclerosis syndrome. Last evaluated: 2023-05-04. Review status: criteria provided, single submitter. Criteria: ACMG Guidelines, 2015. Collection method: clinical testing. Allele origin: germline. Inheritance: Autosomal dominant inheritance. Observed: 1 variant allele, 1 heterozygote.
Comment: This missense variant replaces threonine with isoleucine at codon 147 of the TSC2 protein. Computational prediction suggests that this variant may have deleterious impact on protein structure and function (internally defined REVEL score threshold >= 0.7, PMID: 27666373). To our knowledge, functional studies have not been reported for this variant. This variant has not been reported in individuals affected with tuberous sclerosis complex in the literature. This variant has not been identified in the general population by the Genome Aggregation Database (gnomAD). The available evidence is insufficient to determine the role of this variant in disease conclusively. Therefore, this variant is classified as a Variant of Uncertain Significance.

This study involves interpretation of variants in research participants for the purpose of population health screening. Participant phenotype was not available at the time of variant classification. Additional details can be found in publication PMID: 35346344, PMCID: PMC8962531

Literature cited by the submitters: PubMed 27859028 (cited by Labcorp Genetics (formerly Invitae), Labcorp); PubMed 31799751 (cited by Labcorp Genetics (formerly Invitae), Labcorp).

NM_000548.5(TSC2):c.440C>T (p.Thr147Ile)

Gene: TSC2 (TSC complex subunit 2; plus strand). Cytogenetic location: 16p13.3.
Variant type: single nucleotide variant.
Coding change: c.440C>T on transcript NM_000548.5 (MANE Select); coding-DNA position 440, C replaced by T.
Protein change: p.Thr147Ile; replaces threonine 147 with isoleucine.
Molecular consequence: missense variant. On other transcripts: intron variant (1).
Genome position (GRCh38, 1-based): chr16:2,054,399, C>T. VCF-style: chr16-2054399-C-T. GRCh37 (hg19) VCF-style: chr16-2104400-C-T.
Other names: c.440C>T, p.Thr147Ile (NM_001077183.3, NM_001114382.3, NM_001363528.2 and 3 more transcripts); c.329C>T, p.Thr110Ile (NM_001318827.2); c.293C>T, p.Thr98Ile (NM_001318829.2); c.473C>T, p.Thr158Ile (NM_001318832.2); c.-1-1797C>T (NM_001318831.2); short protein forms T110I, T147I, T158I, T98I.
Identifiers: ClinVar variation 1004052 (VCV001004052.9), dbSNP rs1555497690, ClinGen allele CA394308356.